The following is an entry in ClinVar:

NM_015909.4(NBAS):c.2989G>C (p.Glu997Gln)

Gene: NBAS (NBAS subunit of NRZ tethering complex; minus strand). Cytogenetic location: 2p24.3.
Variant type: single nucleotide variant.
Coding change: c.2989G>C on transcript NM_015909.4 (MANE Select); coding-DNA position 2989, G replaced by C.
Protein change: p.Glu997Gln; replaces glutamic acid 997 with glutamine.
Molecular consequence: missense variant. On other transcripts: non-coding transcript variant (1).
Genome position (GRCh38, 1-based): chr2:15,402,250, C>G on the plus strand (G>C on the coding strand, the complement: NBAS is on the minus strand). VCF-style: chr2-15402250-C-G. GRCh37 (hg19) VCF-style: chr2-15542374-C-G.
Other names: short protein forms E997Q.
Identifiers: ClinVar variation 1414775 (VCV001414775.5), dbSNP rs201150984, ClinGen allele CA1536200.

ClinVar aggregate classification (germline): Uncertain significance (1 of 4 stars; one submission).

Allele frequency attached by ClinVar (database versions not stated): ExAC 0.00003; gnomAD 0.00003 and 0.00004; TOPMed 0.00003; ESP Exome Variant Server 0.00008.
gnomAD v4.1: 49 of 1,613,300 alleles (0.003%); highest among the groups gnomAD compares: Non-Finnish European, 0.0041%; no homozygotes.

Submission:

Labcorp Genetics (formerly Invitae), Labcorp
Classification: Uncertain significance. Last evaluated: 2022-07-04. Review status: criteria provided, single submitter. Criteria: Invitae Variant Classification Sherloc (09022015). Collection method: clinical testing. Allele origin: germline.
Comment: This sequence change replaces glutamic acid, which is acidic and polar, with glutamine, which is neutral and polar, at codon 997 of the NBAS protein (p.Glu997Gln). This variant is present in population databases (rs201150984, gnomAD 0.006%). This variant has not been reported in the literature in individuals affected with NBAS-related conditions. ClinVar contains an entry for this variant (Variation ID: 1414775). Algorithms developed to predict the effect of missense changes on protein structure and function (SIFT, PolyPhen-2, Align-GVGD) all suggest that this variant is likely to be disruptive. In summary, the available evidence is currently insufficient to determine the role of this variant in disease. Therefore, it has been classified as a Variant of Uncertain Significance.